The following is an entry in ClinVar:

ClinVar aggregate classification (germline): Conflicting classifications of pathogenicity. Review status: criteria provided, conflicting classifications (1 of 4 stars). 3 submissions from 3 submitters: Uncertain significance (1); Likely benign (2). Last evaluated 2026-08-24.

Conditions:
Hereditary nonpolyposis colorectal neoplasms. Identifiers: MedGen C0009405, MeSH D003123.
Hereditary cancer-predisposing syndrome. Also called: Neoplastic Syndromes, Hereditary; Hereditary Cancer Syndrome; Tumor predisposition; Hereditary neoplastic syndrome. Identifiers: Orphanet 140162, MedGen C0027672, MeSH D009386, MONDO:0015356.

Allele frequency attached by ClinVar (database versions not stated): gnomAD exomes below 0.00001; ExAC 0.00001.
gnomAD v4.1: 1 of 1,614,082 alleles (0.000062%); highest among the groups gnomAD compares: South Asian, 0.0011%; no homozygotes.

Submissions (3):

Ambry Genetics
Classification: Likely benign for Hereditary cancer-predisposing syndrome. Last evaluated: 2026-08-24. Review status: criteria provided, single submitter. Criteria: Ambry Variant Classification Scheme 2023. Collection method: clinical testing. Allele origin: germline.

Labcorp Genetics (formerly Invitae), Labcorp
Classification: Likely benign for Hereditary nonpolyposis colorectal neoplasms. Last evaluated: 2025-07-29. Review status: criteria provided, single submitter. Criteria: Invitae Variant Classification Sherloc (09022015). Collection method: clinical testing. Allele origin: germline.

Color Diagnostics, LLC DBA Color Health
Classification: Uncertain significance for Hereditary cancer-predisposing syndrome. Last evaluated: 2023-12-04. Review status: criteria provided, single submitter. Criteria: ACMG Guidelines, 2015. Collection method: clinical testing. Allele origin: germline.
Comment: This missense variant replaces isoleucine with valine at codon 669 of the MSH6 protein. Computational prediction suggests that this variant may not impact protein structure and function (internally defined REVEL score threshold <= 0.5, PMID: 27666373). To our knowledge, functional studies have not been reported for this variant. This variant has not been reported in individuals affected with MSH6-related disorders in the literature. This variant has been identified in 1/251044 chromosomes in the general population by the Genome Aggregation Database (gnomAD). The available evidence is insufficient to determine the role of this variant in disease conclusively. Therefore, this variant is classified as a Variant of Uncertain Significance.

NM_000179.3(MSH6):c.2005A>G (p.Ile669Val)

Gene: MSH6 (mutS homolog 6; plus strand). Cytogenetic location: 2p16.3.
Variant type: single nucleotide variant.
Coding change: c.2005A>G on transcript NM_000179.3 (MANE Select); coding-DNA position 2005, A replaced by G.
Protein change: p.Ile669Val; replaces isoleucine 669 with valine.
Molecular consequence: missense variant.
Genome position (GRCh38, 1-based): chr2:47,799,988, A>G. VCF-style: chr2-47799988-A-G. GRCh37 (hg19) VCF-style: chr2-48027127-A-G.
Other names: c.1615A>G, p.Ile539Val (NM_001281492.2); c.1099A>G, p.Ile367Val (NM_001281493.2, NM_001281494.2); short protein forms I669V, I367V, I539V.
Identifiers: ClinVar variation 924818 (VCV000924818.7), dbSNP rs753812859, ClinGen allele CA068352.